The following is an entry in ClinVar:

NM_014845.6(FIG4):c.2042A>G (p.Tyr681Cys)

Gene: FIG4 (FIG4 phosphoinositide 5-phosphatase; plus strand). Cytogenetic location: 6q21.
Variant type: single nucleotide variant.
Coding change: c.2042A>G on transcript NM_014845.6 (MANE Select); coding-DNA position 2042, A replaced by G.
Protein change: p.Tyr681Cys; replaces tyrosine 681 with cysteine.
Molecular consequence: missense variant.
Genome position (GRCh38, 1-based): chr6:109,786,395, A>G. VCF-style: chr6-109786395-A-G. GRCh37 (hg19) VCF-style: chr6-110107598-A-G.
Other names: short protein forms Y681C.
Identifiers: ClinVar variation 566478 (VCV000566478.6), dbSNP rs554382573, ClinGen allele CA3956265.

ClinVar aggregate classification (germline): Uncertain significance (1 of 4 stars; one submission).

Conditions:
Charcot-Marie-Tooth disease type 4. Also called: Charcot-Marie-Tooth, Type 4; Charcot-Marie-Tooth disease, type IV. Identifiers: Orphanet 64749, MedGen C4082197, MONDO:0018995.

Allele frequency attached by ClinVar (database versions not stated): gnomAD exomes below 0.00001 and 0.00001; ExAC 0.00001; gnomAD 0.00001 and 0.00002; TOPMed 0.00001; 1000 Genomes Project 0.00020; 1000 Genomes Project 30x 0.00031.
gnomAD v4.1: 11 of 1,614,012 alleles (0.00068%); highest among the groups gnomAD compares: Admixed American, 0.0017%; no homozygotes.

Submission:

Labcorp Genetics (formerly Invitae), Labcorp
Classification: Uncertain significance for Charcot-Marie-Tooth disease type 4. Last evaluated: 2022-01-04. Review status: criteria provided, single submitter. Criteria: Invitae Variant Classification Sherloc (09022015). Collection method: clinical testing. Allele origin: germline.
Comment: This sequence change replaces tyrosine, which is neutral and polar, with cysteine, which is neutral and slightly polar, at codon 681 of the FIG4 protein (p.Tyr681Cys). This variant is present in population databases (rs554382573, gnomAD 0.003%). This variant has not been reported in the literature in individuals affected with FIG4-related conditions. ClinVar contains an entry for this variant (Variation ID: 566478). Algorithms developed to predict the effect of missense changes on protein structure and function (SIFT, PolyPhen-2, Align-GVGD) all suggest that this variant is likely to be disruptive. Algorithms developed to predict the effect of sequence changes on RNA splicing suggest that this variant may create or strengthen a splice site. In summary, the available evidence is currently insufficient to determine the role of this variant in disease. Therefore, it has been classified as a Variant of Uncertain Significance.